The following is an entry in ClinVar:

NM_201384.3(PLEC):c.8083C>T (p.Arg2695Cys)

Gene: PLEC (plectin; minus strand). Cytogenetic location: 8q24.3.
Variant type: single nucleotide variant.
Coding change: c.8083C>T on transcript NM_201384.3 (MANE Select); coding-DNA position 8083, C replaced by T.
Protein change: p.Arg2695Cys; replaces arginine 2695 with cysteine.
Molecular consequence: missense variant.
Genome position (GRCh38, 1-based): chr8:143,921,738, G>A on the plus strand (C>T on the coding strand, the complement: PLEC is on the minus strand). VCF-style: chr8-143921738-G-A. GRCh37 (hg19) VCF-style: chr8-144995906-G-A.
Other names: c.8164C>T (NM_000445.3); c.8164C>T, p.Arg2722Cys (NM_000445.5); c.8041C>T, p.Arg2681Cys (NM_201378.4); c.8017C>T, p.Arg2673Cys (NM_201379.3); c.8494C>T, p.Arg2832Cys (NM_201380.4); c.7987C>T, p.Arg2663Cys (NM_201381.3); c.8083C>T, p.Arg2695Cys (NM_201382.4); c.8095C>T, p.Arg2699Cys (NM_201383.3); short protein forms R2663C, R2695C, R2673C, R2699C, R2722C, R2681C, R2832C.
Identifiers: ClinVar variation 971488 (VCV000971488.13), dbSNP rs782025300, ClinGen allele CA4925425.

ClinVar aggregate classification (germline): Uncertain significance. Review status: criteria provided, multiple submitters, no conflicts (2 of 4 stars). 4 submissions from 4 submitters: Uncertain significance (4). Last evaluated 2026-03-10.

Conditions:
PLEC-related disorder. Also called: PLEC-related disorders; PLEC-related condition.
Inborn genetic diseases. Identifiers: MedGen C0950123, MeSH D030342.
Epidermolysis bullosa simplex, Ogna type (EBS5A). Also called: Pidermolysis bullosa simplex 5A, Ogna type; EPIDERMOLYSIS BULLOSA SIMPLEX 5A, OGNA TYPE. Identifiers: Orphanet 79401, MedGen C0432317, MONDO:0007555, OMIM 131950.
Epidermolysis bullosa simplex 5B, with muscular dystrophy (EBS5B). Also called: Epidermolysis bullosa simplex with muscular dystrophy; EPIDERMOLYSIS BULLOSA SIMPLEX AND LIMB-GIRDLE MUSCULAR DYSTROPHY. Identifiers: Orphanet 257, MedGen C2931072, MONDO:0009181, OMIM 226670.
Epidermolysis bullosa simplex with nail dystrophy (EBS5D). Identifiers: MedGen C4225309, MONDO:0014661, OMIM 616487.
Autosomal recessive limb-girdle muscular dystrophy type 2Q (LGMDR17). Also called: MUSCULAR DYSTROPHY, LIMB-GIRDLE, AUTOSOMAL RECESSIVE 17. Identifiers: Orphanet 254361, MedGen C3150989, MONDO:0013390, OMIM 613723.
Epidermolysis bullosa simplex 5C, with pyloric atresia (EBS5C). Also called: PLEC-Related Epidermolysis Bullosa with Pyloric Atresia; Epidermolysis bullosa simplex with pyloric atresia; PLEC1-Related Epidermolysis Bullosa with Pyloric Atresia. Identifiers: Orphanet 158684, MedGen C2677349, MONDO:0012807, OMIM 612138.

Allele frequency attached by ClinVar (database versions not stated): gnomAD 0.00003; gnomAD exomes 0.00003; ExAC 0.00004; TOPMed 0.00004.
gnomAD v4.1: 44 of 1,612,512 alleles (0.0027%); highest among the groups gnomAD compares: Admixed American, 0.0067%; no homozygotes.

Submissions (4):

PreventionGenetics, part of Exact Sciences
Classification: Uncertain significance for PLEC-related condition. Last evaluated: 2026-03-10. Review status: criteria provided, single submitter. Criteria: ACMG Guidelines, 2015. Collection method: clinical testing. Allele origin: germline.
Comment: The PLEC c.8164C>T variant is predicted to result in the amino acid substitution p.Arg2722Cys. To our knowledge, this variant has not been reported in the literature. This variant is reported in 0.0087% of alleles in individuals of Latino descent in gnomAD. At this time, the clinical significance of this variant is uncertain due to the absence of conclusive functional and genetic evidence.

Labcorp Genetics (formerly Invitae), Labcorp
Classification: Uncertain significance for Autosomal recessive limb-girdle muscular dystrophy type 2Q; Epidermolysis bullosa simplex, Ogna type; Epidermolysis bullosa simplex with nail dystrophy; Epidermolysis bullosa simplex 5C, with pyloric atresia; Epidermolysis bullosa simplex 5B, with muscular dystrophy. Last evaluated: 2025-12-24. Review status: criteria provided, single submitter. Criteria: Invitae Variant Classification Sherloc (09022015). Collection method: clinical testing. Allele origin: germline.
Comment: This sequence change replaces arginine, which is basic and polar, with cysteine, which is neutral and slightly polar, at codon 2722 of the PLEC protein (p.Arg2722Cys). This variant is present in population databases (rs782025300, gnomAD 0.009%). This variant has not been reported in the literature in individuals affected with PLEC-related conditions. ClinVar contains an entry for this variant (Variation ID: 971488). An algorithm developed to predict the effect of missense changes on protein structure and function (PolyPhen-2) suggests that this variant is likely to be disruptive. In summary, the available evidence is currently insufficient to determine the role of this variant in disease. Therefore, it has been classified as a Variant of Uncertain Significance.

Ambry Genetics
Classification: Uncertain significance for Inborn genetic diseases. Last evaluated: 2025-08-12. Review status: criteria provided, single submitter. Criteria: Ambry Variant Classification Scheme 2023. Collection method: clinical testing. Allele origin: germline.

Revvity Omics, Revvity
Classification: Uncertain significance. Last evaluated: 2022-09-15. Review status: criteria provided, single submitter. Criteria: ACMG Guidelines, 2015. Collection method: clinical testing. Allele origin: germline.